The following is an entry in ClinVar:

NM_002242.4(KCNJ13):c.1010C>T (p.Thr337Ile)

Genes: GIGYF2 (GRB10 interacting GYF protein 2; plus strand), KCNJ13 (potassium inwardly rectifying channel subfamily J member 13; minus strand). Cytogenetic location: 2q37.1.
Variant type: single nucleotide variant.
Coding change: c.1010C>T on transcript NM_002242.4 (MANE Select); coding-DNA position 1010, C replaced by T.
Protein change: p.Thr337Ile; replaces threonine 337 with isoleucine.
Molecular consequence: missense variant. On other transcripts: 3 prime UTR variant (1), intron variant (4).
Genome position (GRCh38, 1-based): chr2:232,768,264, G>A on the plus strand (C>T on the coding strand, the complement: KCNJ13 is on the minus strand). VCF-style: chr2-232768264-G-A. GRCh37 (hg19) VCF-style: chr2-233632974-G-A.
Other names: c.*489C>T (NM_001172416.1); c.770C>T, p.Thr257Ile (NM_001172417.1); c.532+6828G>A (NM_001103146.3, NM_015575.4, NM_001103147.2 and 1 more transcripts); short protein forms T257I, T337I.
Identifiers: ClinVar variation 1015818 (VCV001015818.8), dbSNP rs1699057942, ClinGen allele CA351007418.

ClinVar aggregate classification (germline): Uncertain significance (1 of 4 stars; one submission).

Submission:

Labcorp Genetics (formerly Invitae), Labcorp
Classification: Uncertain significance. Last evaluated: 2022-03-10. Review status: criteria provided, single submitter. Criteria: Invitae Variant Classification Sherloc (09022015). Collection method: clinical testing. Allele origin: germline.
Comment: This variant has not been reported in the literature in individuals affected with KCNJ13-related conditions. This variant is not present in population databases (gnomAD no frequency). This sequence change replaces threonine, which is neutral and polar, with isoleucine, which is neutral and non-polar, at codon 337 of the KCNJ13 protein (p.Thr337Ile). ClinVar contains an entry for this variant (Variation ID: 1015818). In summary, the available evidence is currently insufficient to determine the role of this variant in disease. Therefore, it has been classified as a Variant of Uncertain Significance. Algorithms developed to predict the effect of missense changes on protein structure and function are either unavailable or do not agree on the potential impact of this missense change (SIFT: "Tolerated"; PolyPhen-2: "Possibly Damaging"; Align-GVGD: "Class C0").